The following is an entry in ClinVar:

NM_024741.3(ZNF408):c.1087C>A (p.Leu363Ile)

Gene: ZNF408 (zinc finger protein 408; plus strand). Cytogenetic location: 11p11.2.
Variant type: single nucleotide variant.
Coding change: c.1087C>A on transcript NM_024741.3 (MANE Select); coding-DNA position 1087, C replaced by A.
Protein change: p.Leu363Ile; replaces leucine 363 with isoleucine.
Molecular consequence: missense variant.
Genome position (GRCh38, 1-based): chr11:46,704,787, C>A. VCF-style: chr11-46704787-C-A. GRCh37 (hg19) VCF-style: chr11-46726337-C-A.
Other names: c.1063C>A, p.Leu355Ile (NM_001184751.2); short protein forms L363I, L355I.
Identifiers: ClinVar variation 1959657 (VCV001959657.5), dbSNP rs746187942, ClinGen allele CA221633213.

ClinVar aggregate classification (germline): Uncertain significance (1 of 4 stars; one submission).

gnomAD v4.1: 3 of 1,597,454 alleles (0.00019%); highest among the groups gnomAD compares: Non-Finnish European, 0.00026%; no homozygotes.

Submission:

Labcorp Genetics (formerly Invitae), Labcorp
Classification: Uncertain significance. Last evaluated: 2022-10-19. Review status: criteria provided, single submitter. Criteria: Invitae Variant Classification Sherloc (09022015). Collection method: clinical testing. Allele origin: germline.
Comment: In summary, the available evidence is currently insufficient to determine the role of this variant in disease. Therefore, it has been classified as a Variant of Uncertain Significance. This sequence change replaces leucine, which is neutral and non-polar, with isoleucine, which is neutral and non-polar, at codon 363 of the ZNF408 protein (p.Leu363Ile). This variant is not present in population databases (gnomAD no frequency). This variant has not been reported in the literature in individuals affected with ZNF408-related conditions. Algorithms developed to predict the effect of missense changes on protein structure and function are either unavailable or do not agree on the potential impact of this missense change (SIFT: "Tolerated"; PolyPhen-2: "Probably Damaging"; Align-GVGD: "Class C0").